The following is an entry in ClinVar:

ClinVar aggregate classification (germline): Uncertain significance (1 of 4 stars; one submission).

Conditions:
Cardiovascular phenotype. Identifiers: MedGen CN230736.

Submission:

Ambry Genetics
Classification: Uncertain significance for Cardiovascular phenotype. Last evaluated: 2024-03-20. Review status: criteria provided, single submitter. Criteria: Ambry Variant Classification Scheme 2023. Collection method: clinical testing. Allele origin: germline.
Comment: The p.K466Q variant (also known as c.1396A>C), located in coding exon 10 of the NEXN gene, results from an A to C substitution at nucleotide position 1396. The lysine at codon 466 is replaced by glutamine, an amino acid with similar properties. This variant has been reported in an individual from a left ventricular non-compaction cardiomyopathy cohort, but clinical details were limited (Richard P et al. Clin Genet, 2019 Mar;95:356-367). This amino acid position is highly conserved in available vertebrate species. In addition, the in silico prediction for this alteration is inconclusive. Based on the available evidence, the clinical significance of this alteration remains unclear.

Literature cited by the submitters: PubMed 30471092.

NM_144573.4(NEXN):c.1396A>C (p.Lys466Gln)

Gene: NEXN (nexilin F-actin binding protein; plus strand). Cytogenetic location: 1p31.1.
Variant type: single nucleotide variant.
Coding change: c.1396A>C on transcript NM_144573.4 (MANE Select); coding-DNA position 1396, A replaced by C.
Protein change: p.Lys466Gln; replaces lysine 466 with glutamine.
Molecular consequence: missense variant.
Genome position (GRCh38, 1-based): chr1:77,935,967, A>C. VCF-style: chr1-77935967-A-C. GRCh37 (hg19) VCF-style: chr1-78401652-A-C.
Other names: c.1204A>C, p.Lys402Gln (NM_001172309.2); short protein forms K402Q, K466Q.
Identifiers: ClinVar variation 3299398 (VCV003299398.1).